The following is an entry in ClinVar:

NM_007126.5(VCP):c.1228G>A (p.Asp410Asn)

Gene: VCP (valosin containing protein; minus strand). Cytogenetic location: 9p13.3.
Variant type: single nucleotide variant.
Coding change: c.1228G>A on transcript NM_007126.5 (MANE Select); coding-DNA position 1228, G replaced by A.
Protein change: p.Asp410Asn; replaces aspartic acid 410 with asparagine.
Molecular consequence: missense variant.
Genome position (GRCh38, 1-based): chr9:35,061,146, C>T on the plus strand (G>A on the coding strand, the complement: VCP is on the minus strand). VCF-style: chr9-35061146-C-T. GRCh37 (hg19) VCF-style: chr9-35061143-C-T.
Other names: c.1093G>A, p.Asp365Asn (NM_001354927.2, NM_001354928.2); short protein forms D365N, D410N.
Identifiers: ClinVar variation 3364006 (VCV003364006.1).
Genomic context (GRCh38, chr9:35,061,146, plus strand): 5'-TGAGATCCATCTTCTTGCGGATGGCTTGCAGAGCAGCCTCTGAGCACAGGGCTGCTAAGT[C>T]AGCACCCACATGCCCGTGAGTCTCATTGGCTACCTGCAGAGAAAGATCTACTTACTATGC-3'
Protein context (NP_009057.1, residues 400-420): ANETHGHVGA[Asp410Asn]LAALCSEAAL

ClinVar aggregate classification (germline): Uncertain significance (1 of 4 stars; one submission).

Submission:

GeneDx
Classification: Uncertain significance. Last evaluated: 2023-11-10. Review status: criteria provided, single submitter. Criteria: GeneDx Variant Classification Process June 2021. Collection method: clinical testing. Allele origin: germline. Affected: yes.
Comment: Not observed at significant frequency in large population cohorts (gnomAD); In silico analysis supports that this missense variant has a deleterious effect on protein structure/function; In silico analysis suggests this variant may impact gene splicing. In the absence of RNA/functional studies, the actual effect of this sequence change is unknown.; Has not been previously published as pathogenic or benign to our knowledge